The following is an entry in ClinVar:

NM_004525.3(LRP2):c.4247A>G (p.Asp1416Gly)

Gene: LRP2 (LDL receptor related protein 2; minus strand). Cytogenetic location: 2q31.1.
Variant type: single nucleotide variant.
Coding change: c.4247A>G on transcript NM_004525.3 (MANE Select); coding-DNA position 4247, A replaced by G.
Protein change: p.Asp1416Gly; replaces aspartic acid 1416 with glycine.
Molecular consequence: missense variant.
Genome position (GRCh38, 1-based): chr2:169,239,574, T>C on the plus strand (A>G on the coding strand, the complement: LRP2 is on the minus strand). VCF-style: chr2-169239574-T-C. GRCh37 (hg19) VCF-style: chr2-170096084-T-C.
Other names: short protein forms D1416G.
Identifiers: ClinVar variation 1923324 (VCV001923324.3), dbSNP rs1030922398, ClinGen allele CA59913063.

ClinVar aggregate classification (germline): Uncertain significance. Review status: criteria provided, multiple submitters, no conflicts (2 of 4 stars). 2 submissions from 2 submitters: Uncertain significance (2). Last evaluated 2024-01-22.

Conditions:
Donnai-Barrow syndrome. Also called: DBS/FOAR SYNDROME; FACIOOCULOACOUSTICORENAL SYNDROME. Identifiers: Orphanet 2143, MedGen C1857277, MONDO:0009104, OMIM 222448.

Allele frequency attached by ClinVar (database versions not stated): gnomAD exomes 0.00001; TOPMed 0.00002.
gnomAD v4.1: 14 of 1,614,112 alleles (0.00087%); highest among the groups gnomAD compares: Non-Finnish European, 0.0012%; no homozygotes.

Submissions (2):

Fulgent Genetics
Classification: Uncertain significance for Donnai-Barrow syndrome. Last evaluated: 2024-01-22. Review status: criteria provided, single submitter. Criteria: ACMG Guidelines, 2015. Collection method: clinical testing. Allele origin: germline.

Labcorp Genetics (formerly Invitae), Labcorp
Classification: Uncertain significance. Last evaluated: 2022-06-23. Review status: criteria provided, single submitter. Criteria: Invitae Variant Classification Sherloc (09022015). Collection method: clinical testing. Allele origin: germline.
Comment: This sequence change replaces aspartic acid, which is acidic and polar, with glycine, which is neutral and non-polar, at codon 1416 of the LRP2 protein (p.Asp1416Gly). This variant is present in population databases (no rsID available, gnomAD 0.002%). This variant has not been reported in the literature in individuals affected with LRP2-related conditions. Algorithms developed to predict the effect of missense changes on protein structure and function (SIFT, PolyPhen-2, Align-GVGD) all suggest that this variant is likely to be tolerated. In summary, the available evidence is currently insufficient to determine the role of this variant in disease. Therefore, it has been classified as a Variant of Uncertain Significance.